The following is an entry in ClinVar:

NM_001127222.2(CACNA1A):c.5839+15C>T

Gene: CACNA1A (calcium voltage-gated channel subunit alpha1 A; minus strand). Cytogenetic location: 19p13.13.
Variant type: single nucleotide variant.
Coding change: c.5839+15C>T on transcript NM_001127222.2 (MANE Select); 15 bases into the intron after coding-DNA position 5839, C replaced by T.
Molecular consequence: intron variant.
Genome position (GRCh38, 1-based): chr19:13,214,486, G>A on the plus strand (C>T on the coding strand, the complement: CACNA1A is on the minus strand). VCF-style: chr19-13214486-G-A. GRCh37 (hg19) VCF-style: chr19-13325300-G-A.
Other names: c.5842+15C>T (NM_001127221.2); c.5848+15C>T (NM_001174080.2); c.5857+15C>T (NM_000068.4, NM_023035.3).
Identifiers: ClinVar variation 512741 (VCV000512741.10), dbSNP rs756095565, ClinGen allele CA9239578.

ClinVar aggregate classification (germline): Likely benign. Review status: criteria provided, multiple submitters, no conflicts (2 of 4 stars). 3 submissions from 3 submitters: Likely benign (3). Last evaluated 2025-12-21.

Conditions:
Episodic ataxia type 2 (EA2). Also called: ATAXIA, EPISODIC, WITH NYSTAGMUS; ATAXIA, FAMILIAL PAROXYSMAL; CEREBELLAR ATAXIA, PAROXYSMAL, ACETAZOLAMIDE-RESPONSIVE; CEREBELLOPATHY, HEREDITARY PAROXYSMAL; EPISODIC ATAXIA, NYSTAGMUS-ASSOCIATED; ACETAZOLAMIDE-RESPONSIVE HEREDITARY PAROXYSMAL CEREBELLAR ATAXIA. Identifiers: Orphanet 97, MedGen C1720416, MONDO:0007163, OMIM 108500.
Developmental and epileptic encephalopathy, 42 (DEE42A). Also called: DEVELOPMENTAL AND EPILEPTIC ENCEPHALOPATHY 42A; EPILEPTIC ENCEPHALOPATHY, EARLY INFANTILE, 42A; Epileptic encephalopathy, early infantile, 42. Identifiers: MedGen C4310716, MONDO:0014917, OMIM 617106.

Allele frequency attached by ClinVar (database versions not stated): ExAC 0.00002; gnomAD exomes 0.00002 and 0.00005; TOPMed 0.00004.
gnomAD v4.1: 70 of 1,603,396 alleles (0.0044%); highest among the groups gnomAD compares: Non-Finnish European, 0.0058%; no homozygotes.

Submissions (3):

Labcorp Genetics (formerly Invitae), Labcorp
Classification: Likely benign for Developmental and epileptic encephalopathy, 42; Episodic ataxia type 2. Last evaluated: 2025-12-21. Review status: criteria provided, single submitter. Criteria: Invitae Variant Classification Sherloc (09022015). Collection method: clinical testing. Allele origin: germline.

Blueprint Genetics
Classification: Likely benign. Last evaluated: 2024-09-04. Review status: criteria provided, single submitter. Criteria: ACMG Guidelines, 2015. Collection method: clinical testing. Allele origin: germline.

GeneDx
Classification: Likely benign. Last evaluated: 2017-11-06. Review status: criteria provided, single submitter. Criteria: GeneDx Variant Classification (06012015). Collection method: clinical testing. Allele origin: germline. Affected: yes.
Comment: This variant is considered likely benign or benign based on one or more of the following criteria: it is a conservative change, it occurs at a poorly conserved position in the protein, it is predicted to be benign by multiple in silico algorithms, and/or has population frequency not consistent with disease.